The following is an entry in ClinVar:

ClinVar aggregate classification (germline): Uncertain significance. Review status: criteria provided, multiple submitters, no conflicts (2 of 4 stars). 2 submissions from 2 submitters: Uncertain significance (2). Last evaluated 2024-01-02.

Conditions:
Charcot-Marie-Tooth disease type 2. Also called: Charcot-Marie-Tooth type 2. Identifiers: Orphanet 64746, MedGen C0270914, MONDO:0018993.

Submissions (2):

Labcorp Genetics (formerly Invitae), Labcorp
Classification: Uncertain significance for Charcot-Marie-Tooth disease type 2. Last evaluated: 2024-01-02. Review status: criteria provided, single submitter. Criteria: Invitae Variant Classification Sherloc (09022015). Collection method: clinical testing. Allele origin: germline.
Comment: This sequence change replaces arginine, which is basic and polar, with lysine, which is basic and polar, at codon 1114 of the KIF1B protein (p.Arg1114Lys). This variant is not present in population databases (gnomAD no frequency). This variant has not been reported in the literature in individuals affected with KIF1B-related conditions. ClinVar contains an entry for this variant (Variation ID: 1730422). An algorithm developed to predict the effect of missense changes on protein structure and function (PolyPhen-2) suggests that this variant is likely to be tolerated. In summary, the available evidence is currently insufficient to determine the role of this variant in disease. Therefore, it has been classified as a Variant of Uncertain Significance.

Ambry Genetics
Classification: Uncertain significance. Last evaluated: 2022-07-19. Review status: criteria provided, single submitter. Criteria: Ambry Variant Classification Scheme 2023. Collection method: clinical testing. Allele origin: germline.
Comment: The p.R1114K variant (also known as c.3341G>A), located in coding exon 29 of the KIF1B gene, results from a G to A substitution at nucleotide position 3341. The arginine at codon 1114 is replaced by lysine, an amino acid with highly similar properties. This amino acid position is conserved. In addition, this alteration is predicted to be tolerated by in silico analysis. Since supporting evidence is limited at this time, the clinical significance of this alteration remains unclear.

NM_001365951.3(KIF1B):c.3479G>A (p.Arg1160Lys)

Gene: KIF1B (kinesin family member 1B; plus strand). Cytogenetic location: 1p36.22.
Variant type: single nucleotide variant.
Coding change: c.3479G>A on transcript NM_001365951.3 (MANE Select); coding-DNA position 3479, G replaced by A.
Protein change: p.Arg1160Lys; replaces arginine 1160 with lysine.
Molecular consequence: missense variant.
Genome position (GRCh38, 1-based): chr1:10,339,825, G>A. VCF-style: chr1-10339825-G-A. GRCh37 (hg19) VCF-style: chr1-10399883-G-A.
Other names: c.3479G>A, p.Arg1160Lys (NM_001365952.1); c.3341G>A, p.Arg1114Lys (NM_015074.3); short protein forms R1114K, R1160K.
Identifiers: ClinVar variation 1730422 (VCV001730422.5), dbSNP rs2521738058, ClinGen allele CA338341112.